The following is an entry in ClinVar:

NM_002693.3(POLG):c.2814T>C (p.Thr938=)

Gene: POLG (DNA polymerase gamma, catalytic subunit; minus strand). Cytogenetic location: 15q26.1.
Variant type: single nucleotide variant.
Coding change: c.2814T>C on transcript NM_002693.3 (MANE Select); coding-DNA position 2814, T replaced by C.
Protein change: p.Thr938=; no amino-acid change (threonine 938 retained).
Molecular consequence: synonymous variant.
Genome position (GRCh38, 1-based): chr15:89,320,933, A>G on the plus strand (T>C on the coding strand, the complement: POLG is on the minus strand). VCF-style: chr15-89320933-A-G. GRCh37 (hg19) VCF-style: chr15-89864164-A-G.
Other names: c.2814T>C, p.Thr938= (NM_001126131.2).
Identifiers: ClinVar variation 378414 (VCV000378414.14), dbSNP rs771822843, ClinGen allele CA7724343.

ClinVar aggregate classification (germline): Likely benign. Review status: criteria provided, multiple submitters, no conflicts (2 of 4 stars). 4 submissions from 4 submitters: Likely benign (3). 1 of the submissions does not count toward it. Last evaluated 2025-12-19.

Conditions:
POLG-related disorder. Also called: POLG-related condition; POLG-Related Disorders; POLG-Related Spectrum Disorders. Identifiers: MedGen C4763519.
Progressive sclerosing poliodystrophy (MTDPS4A). Also called: ALPERS PROGRESSIVE INFANTILE POLIODYSTROPHY; NEURONAL DEGENERATION OF CHILDHOOD WITH LIVER DISEASE, PROGRESSIVE; Alpers-Huttenlocher Syndrome (AHS); Alpers Syndrome; Mitochondrial DNA Depletion Syndrome 4A; ALPERS DIFFUSE DEGENERATION OF CEREBRAL GRAY MATTER WITH HEPATIC CIRRHOSIS. Identifiers: Orphanet 726, MedGen C0205710, MONDO:0008758, OMIM 203700.

Allele frequency attached by ClinVar (database versions not stated): ExAC 0.00001; gnomAD exomes 0.00001 and 0.00003; TOPMed 0.00001; gnomAD 0.00003.
gnomAD v4.1: 47 of 1,613,910 alleles (0.0029%); highest among the groups gnomAD compares: Non-Finnish European, 0.0039%; no homozygotes.

Submissions (4):

Labcorp Genetics (formerly Invitae), Labcorp
Classification: Likely benign for Progressive sclerosing poliodystrophy. Last evaluated: 2025-12-19. Review status: criteria provided, single submitter. Criteria: Invitae Variant Classification Sherloc (09022015). Collection method: clinical testing. Allele origin: germline.

Wong Mito Lab, Molecular and Human Genetics, Baylor College of Medicine
Classification: Likely benign for Progressive sclerosing poliodystrophy. Last evaluated: 2018-10-01. Review status: criteria provided, single submitter. Criteria: ACMG Guidelines, 2015. Collection method: clinical testing. Allele origin: germline.
Comment: The NM_002693.2:c.2814T>C (NP_002684.1:p.Thr938=) [GRCH38: NC_000015.10:g.89320933A>G] variant in POLG gene is interpretated to be a Likely Benign based on ACMG guidelines (PMID: 25741868). This variant meets the following evidence codes reported in the ACMG-guideline. BP6:Reputable source(s) without shared data suggest the variant is benign. BP7:The variant is silent with non predicted splice impact. Based on the evidence criteria codes applied, the variant is suggested to be Likely Benign.

GeneDx
Classification: Likely benign. Last evaluated: 2016-10-27. Review status: criteria provided, single submitter. Criteria: GeneDx Variant Classification (06012015). Collection method: clinical testing. Allele origin: germline. Affected: yes.
Comment: This variant is considered likely benign or benign based on one or more of the following criteria: it is a conservative change, it occurs at a poorly conserved position in the protein, it is predicted to be benign by multiple in silico algorithms, and/or has population frequency not consistent with disease.

PreventionGenetics, part of Exact Sciences
Classification: Likely benign for POLG-related condition. Last evaluated: 2024-09-23. Review status: no assertion criteria provided. Collection method: clinical testing. Allele origin: germline. Not counted in ClinVar's aggregate classification.
Comment: This variant is classified as likely benign based on ACMG/AMP sequence variant interpretation guidelines (Richards et al. 2015 PMID: 25741868, with internal and published modifications).